The following is an entry in ClinVar:

ClinVar aggregate classification (germline): Conflicting classifications of pathogenicity. Review status: criteria provided, conflicting classifications (1 of 4 stars). 2 submissions from 2 submitters: Uncertain significance (1); Likely benign (1). Last evaluated 2018-04-18.

Conditions:
Inborn genetic diseases. Identifiers: MedGen C0950123, MeSH D030342.

Allele frequency attached by ClinVar (database versions not stated): gnomAD 0.00001; TOPMed 0.00001; 1000 Genomes Project 30x 0.00016; 1000 Genomes Project 0.00020.

Submissions (2):

GeneDx
Classification: Likely benign. Last evaluated: 2018-04-18. Review status: criteria provided, single submitter. Criteria: GeneDx Variant Classification (06012015). Collection method: clinical testing. Allele origin: germline. Affected: yes.
Comment: This variant is considered likely benign or benign based on one or more of the following criteria: it is a conservative change, it occurs at a poorly conserved position in the protein, it is predicted to be benign by multiple in silico algorithms, and/or has population frequency not consistent with disease.

Ambry Genetics
Classification: Uncertain significance for Inborn genetic diseases. Last evaluated: 2016-11-18. Review status: criteria provided, single submitter. Criteria: Ambry Variant Classification Scheme 2023. Collection method: clinical testing. Allele origin: germline.
Comment: The c.2111-5C>T intronic variant results from a C to T substitution 5 nucleotides upstream from coding exon 18 in the SHANK3 gene. This variant was previously reported in the SNPDatabase as rs181480774. Based on data from the 1000 Genomes Project, the T allele has an overall frequency of approximately 0.05% (1/2098) total alleles studied. The highest observed frequency was 0.57% (1/176) Yoruba alleles. This nucleotide position is well conserved in available vertebrate species. Using the BDGP and ESEfinder splice site prediction tools, this alteration is not predicted to have any significant effect on this splice acceptor/donor site; however, direct evidence is unavailable. Since supporting evidence is limited at this time, the clinical significance of this alteration remains unclear.

NM_001372044.2(SHANK3):c.2301-5C>T

Gene: SHANK3 (SH3 and multiple ankyrin repeat domains 3; plus strand). Cytogenetic location: 22q13.33.
Variant type: single nucleotide variant.
Coding change: c.2301-5C>T on transcript NM_001372044.2 (MANE Select); 5 bases into the intron before coding-DNA position 2301, C replaced by T.
Molecular consequence: intron variant.
Genome position (GRCh38, 1-based): chr22:50,711,610, C>T. VCF-style: chr22-50711610-C-T. GRCh37 (hg19) VCF-style: chr22-51150038-C-T.
Other names: c.2111-5C>T (NM_033517.1).
Identifiers: ClinVar variation 588458 (VCV000588458.5), dbSNP rs181480774, ClinGen allele CA10325784.